The following is an entry in ClinVar:

NM_017654.4(SAMD9):c.3026del (p.Leu1009fs)

Gene: SAMD9 (sterile alpha motif domain containing 9; minus strand). Cytogenetic location: 7q21.2.
Variant type: Deletion.
Coding change: c.3026del on transcript NM_017654.4 (MANE Select); coding-DNA position 3026, one base deleted (T; older notation c.3026delT).
Protein change: p.Leu1009fs; shifts the reading frame from leucine 1009.
Molecular consequence: frameshift variant.
Genome position (GRCh38, 1-based): chr7:93,103,072, A deleted on the plus strand (T on the coding strand, the reverse complement: SAMD9 is on the minus strand); the first of 2 consecutive A bases (chr7:93,103,072-93,103,073); deleting either gives the same sequence. VCF-style (leftmost placement, unchanged base first): chr7-93103071-CA-C. GRCh37 (hg19) VCF-style: chr7-92732384-CA-C.
Other names: c.3026del, p.Leu1009fs (NM_001193307.2); short protein forms L1009fs.
Identifiers: ClinVar variation 3371866 (VCV003371866.1).

ClinVar aggregate classification (germline): Uncertain significance (1 of 4 stars; one submission).

Submission:

GeneDx
Classification: Uncertain significance. Last evaluated: 2024-04-07. Review status: criteria provided, single submitter. Criteria: GeneDx Variant Classification Process June 2021. Collection method: clinical testing. Allele origin: germline. Affected: yes.
Comment: Not observed at significant frequency in large population cohorts (gnomAD); Frameshift variant predicted to result in abnormal protein length as the last 581 amino acids are replaced with 3 different amino acids, in a gene for which loss of function is not an established mechanism of disease; Has not been previously published as pathogenic or benign to our knowledge; This variant is associated with the following publications: (PMID: 28545555)